The following is an entry in ClinVar:

ClinVar aggregate classification (germline): Uncertain significance (1 of 4 stars; one submission).

Conditions:
Joubert syndrome. Also called: CEREBELLOPARENCHYMAL DISORDER IV; JOUBERT-BOLTSHAUSER SYNDROME; Familial aplasia of the vermis. Identifiers: Orphanet 475, MedGen C5979921, MONDO:0018772.
Meckel-Gruber syndrome. Also called: DYSENCEPHALIA SPLANCHNOCYSTICA; GRUBER SYNDROME; Dysencephalia splachnocystica. Identifiers: Orphanet 564, MedGen C0265215, MONDO:0018921.

Submission:

Labcorp Genetics (formerly Invitae), Labcorp
Classification: Uncertain significance for Joubert syndrome; Meckel-Gruber syndrome. Last evaluated: 2022-10-25. Review status: criteria provided, single submitter. Criteria: Invitae Variant Classification Sherloc (09022015). Collection method: clinical testing. Allele origin: germline.
Comment: This sequence change replaces asparagine, which is neutral and polar, with serine, which is neutral and polar, at codon 370 of the TCTN1 protein (p.Asn370Ser). In summary, the available evidence is currently insufficient to determine the role of this variant in disease. Therefore, it has been classified as a Variant of Uncertain Significance. Advanced modeling of protein sequence and biophysical properties (such as structural, functional, and spatial information, amino acid conservation, physicochemical variation, residue mobility, and thermodynamic stability) performed at Invitae indicates that this missense variant is not expected to disrupt TCTN1 protein function. This variant has not been reported in the literature in individuals affected with TCTN1-related conditions. This variant is not present in population databases (gnomAD no frequency).

NM_001082538.3(TCTN1):c.1109A>G (p.Asn370Ser)

Gene: TCTN1 (tectonic family member 1; plus strand). Cytogenetic location: 12q24.11.
Variant type: single nucleotide variant.
Coding change: c.1109A>G on transcript NM_001082538.3 (MANE Select); coding-DNA position 1109, A replaced by G.
Protein change: p.Asn370Ser; replaces asparagine 370 with serine.
Molecular consequence: missense variant.
Genome position (GRCh38, 1-based): chr12:110,641,546, A>G. VCF-style: chr12-110641546-A-G. GRCh37 (hg19) VCF-style: chr12-111079351-A-G.
Other names: c.1109A>G, p.Asn370Ser (NM_001082537.3, NM_001319680.2); c.941A>G, p.Asn314Ser (NM_001173975.3); c.929A>G, p.Asn310Ser (NM_001173976.2); c.575A>G, p.Asn192Ser (NM_001319681.2); c.1067A>G, p.Asn356Ser (NM_024549.6); short protein forms N310S, N370S, N356S, N192S, N314S.
Identifiers: ClinVar variation 1932405 (VCV001932405.5), dbSNP rs2548908331, ClinGen allele CA386705130.